The following is an entry in ClinVar:

NM_144772.3(NAXE):c.183-6C>T

Gene: NAXE (NAD(P)HX epimerase; plus strand). Cytogenetic location: 1q22.
Variant type: single nucleotide variant.
Coding change: c.183-6C>T on transcript NM_144772.3 (MANE Select); 6 bases into the intron before coding-DNA position 183, C replaced by T.
Molecular consequence: intron variant.
Genome position (GRCh38, 1-based): chr1:156,592,095, C>T. VCF-style: chr1-156592095-C-T. GRCh37 (hg19) VCF-style: chr1-156561887-C-T.
Identifiers: ClinVar variation 3030803 (VCV003030803.2), dbSNP rs376629794, ClinGen allele CA31065452.

ClinVar aggregate classification (germline): Likely benign (0 of 4 stars; one submission).

Conditions:
NAXE-related disorder. Also called: NAXE-related condition.

Submission:

PreventionGenetics, part of Exact Sciences
Classification: Likely benign for NAXE-related condition. Last evaluated: 2022-03-16. Review status: no assertion criteria provided. Collection method: clinical testing. Allele origin: germline.
Comment: This variant is classified as likely benign based on ACMG/AMP sequence variant interpretation guidelines (Richards et al. 2015 PMID: 25741868, with internal and published modifications).